The following is an entry in ClinVar:

NM_004493.3(HSD17B10):c.488T>C (p.Val163Ala)

Gene: HSD17B10 (hydroxysteroid 17-beta dehydrogenase 10; minus strand). Cytogenetic location: Xp11.22.
Variant type: single nucleotide variant.
Coding change: c.488T>C on transcript NM_004493.3 (MANE Select); coding-DNA position 488, T replaced by C.
Protein change: p.Val163Ala; replaces valine 163 with alanine.
Molecular consequence: missense variant.
Genome position (GRCh38, 1-based): chrX:53,431,905, A>G on the plus strand (T>C on the coding strand, the complement: HSD17B10 is on the minus strand). VCF-style: chrX-53431905-A-G. GRCh37 (hg19) VCF-style: chrX-53458853-A-G.
Other names: c.488T>C, p.Val163Ala (NM_001037811.2); short protein forms V163A.
Identifiers: ClinVar variation 954758 (VCV000954758.10), dbSNP rs2075826281, ClinGen allele CA413151727.

ClinVar aggregate classification (germline): Uncertain significance. Review status: criteria provided, multiple submitters, no conflicts (2 of 4 stars). 2 submissions from 2 submitters: Uncertain significance (2). Last evaluated 2023-03-06.

Submissions (2):

GeneDx
Classification: Uncertain significance. Last evaluated: 2023-03-06. Review status: criteria provided, single submitter. Criteria: GeneDx Variant Classification Process June 2021. Collection method: clinical testing. Allele origin: germline. Affected: yes.
Comment: Not observed at significant frequency in large population cohorts (gnomAD); In silico analysis supports that this missense variant has a deleterious effect on protein structure/function; Has not been previously published as pathogenic or benign to our knowledge

Labcorp Genetics (formerly Invitae), Labcorp
Classification: Uncertain significance. Last evaluated: 2022-07-12. Review status: criteria provided, single submitter. Criteria: Invitae Variant Classification Sherloc (09022015). Collection method: clinical testing. Allele origin: germline.
Comment: ClinVar contains an entry for this variant (Variation ID: 954758). In summary, the available evidence is currently insufficient to determine the role of this variant in disease. Therefore, it has been classified as a Variant of Uncertain Significance. Algorithms developed to predict the effect of missense changes on protein structure and function are either unavailable or do not agree on the potential impact of this missense change (SIFT: "Tolerated"; PolyPhen-2: "Possibly Damaging"; Align-GVGD: "Class C0"). This variant has not been reported in the literature in individuals affected with HSD17B10-related conditions. This variant is not present in population databases (gnomAD no frequency). This sequence change replaces valine, which is neutral and non-polar, with alanine, which is neutral and non-polar, at codon 163 of the HSD17B10 protein (p.Val163Ala).